The following is an entry in ClinVar:

NM_014991.6(WDFY3):c.3466G>A (p.Glu1156Lys)

Gene: WDFY3 (WD repeat and FYVE domain containing 3; minus strand). Cytogenetic location: 4q21.23.
Variant type: single nucleotide variant.
Coding change: c.3466G>A on transcript NM_014991.6 (MANE Select); coding-DNA position 3466, G replaced by A.
Protein change: p.Glu1156Lys; replaces glutamic acid 1156 with lysine.
Molecular consequence: missense variant.
Genome position (GRCh38, 1-based): chr4:84,794,540, C>T on the plus strand (G>A on the coding strand, the complement: WDFY3 is on the minus strand). VCF-style: chr4-84794540-C-T. GRCh37 (hg19) VCF-style: chr4-85715693-C-T.
Other names: short protein forms E1156K.
Identifiers: ClinVar variation 5018160 (VCV005018160.1).

ClinVar aggregate classification (germline): Uncertain significance (1 of 4 stars; one submission).

Submission:

GeneDx
Classification: Uncertain significance. Last evaluated: 2026-04-02. Review status: criteria provided, single submitter. Criteria: GeneDx Variant Classification Process June 2021. Collection method: clinical testing. Allele origin: germline.
Comment: Not observed at significant frequency in large population cohorts (gnomAD); In silico analysis supports that this missense variant has a deleterious effect on protein structure/function; Has not been previously published as pathogenic or benign to our knowledge